The following is an entry in ClinVar:

ClinVar aggregate classification (germline): Uncertain significance (1 of 4 stars; one submission).

Submission:

Labcorp Genetics (formerly Invitae), Labcorp
Classification: Uncertain significance. Last evaluated: 2022-10-24. Review status: criteria provided, single submitter. Criteria: Invitae Variant Classification Sherloc (09022015). Collection method: clinical testing. Allele origin: germline.
Comment: In summary, the available evidence is currently insufficient to determine the role of this variant in disease. Therefore, it has been classified as a Variant of Uncertain Significance. Experimental studies and prediction algorithms are not available or were not evaluated, and the functional significance of this variant is currently unknown. ClinVar contains an entry for this variant (Variation ID: 1433766). This variant has not been reported in the literature in individuals affected with GRIN2D-related conditions. The frequency data for this variant in the population databases is considered unreliable, as metrics indicate insufficient coverage at this position in the gnomAD database. This sequence change replaces alanine, which is neutral and non-polar, with tyrosine, which is neutral and polar, at codon 996 of the GRIN2D protein (p.Ala996Tyr).

NM_000836.4(GRIN2D):c.2985_2987delinsATA (p.Ala996Tyr)

Gene: GRIN2D (glutamate ionotropic receptor NMDA type subunit 2D; plus strand). Cytogenetic location: 19q13.33.
Variant type: Indel.
Coding change: c.2985_2987delinsATA on transcript NM_000836.4 (MANE Select); coding-DNA positions 2985 to 2987, GGC replaced by ATA.
Protein change: p.Ala996Tyr; replaces alanine 996 with tyrosine.
Molecular consequence: missense variant.
Genome position (GRCh38, 1-based): chr19:48,442,911-48,442,913, GGC replaced by ATA. VCF-style: chr19-48442911-GGC-ATA. GRCh37 (hg19) VCF-style: chr19-48946168-GGC-ATA.
Other names: short protein forms A996Y.
Identifiers: ClinVar variation 1433766 (VCV001433766.8), dbSNP rs2147476450, ClinGen allele CA2573156518.